The following is an entry in ClinVar:

ClinVar aggregate classification (germline): Uncertain significance. Review status: criteria provided, multiple submitters, no conflicts (2 of 4 stars). 2 submissions from 2 submitters: Uncertain significance (2). Last evaluated 2026-01-11.

Allele frequency attached by ClinVar (database versions not stated): gnomAD exomes 0.00007 and 0.00016; ESP Exome Variant Server 0.00008; gnomAD 0.00009 and 0.00010; ExAC 0.00010; TOPMed 0.00010.
gnomAD v4.1: 256 of 1,611,444 alleles (0.016%); highest among the groups gnomAD compares: Non-Finnish European, 0.019%; no homozygotes.

Submissions (2):

Labcorp Genetics (formerly Invitae), Labcorp
Classification: Uncertain significance. Last evaluated: 2026-01-11. Review status: criteria provided, single submitter. Criteria: Invitae Variant Classification Sherloc (09022015). Collection method: clinical testing. Allele origin: germline.
Comment: This sequence change replaces serine, which is neutral and polar, with cysteine, which is neutral and slightly polar, at codon 398 of the MKL1 protein (p.Ser398Cys). This variant is present in population databases (rs372640662, gnomAD 0.01%). This variant has not been reported in the literature in individuals affected with MKL1-related conditions. ClinVar contains an entry for this variant (Variation ID: 1683078). An algorithm developed to predict the effect of missense changes on protein structure and function (PolyPhen-2) suggests that this variant is likely to be disruptive. In summary, the available evidence is currently insufficient to determine the role of this variant in disease. Therefore, it has been classified as a Variant of Uncertain Significance.

Ambry Genetics
Classification: Uncertain significance. Last evaluated: 2024-05-28. Review status: criteria provided, single submitter. Criteria: Ambry Variant Classification Scheme 2023. Collection method: clinical testing. Allele origin: germline.

NM_020831.6(MRTFA):c.1493C>G (p.Ser498Cys)

Gene: MRTFA (myocardin related transcription factor A; minus strand). Cytogenetic location: 22q13.1.
Variant type: single nucleotide variant.
Coding change: c.1493C>G on transcript NM_020831.6 (MANE Select); coding-DNA position 1493, C replaced by G.
Protein change: p.Ser498Cys; replaces serine 498 with cysteine.
Molecular consequence: missense variant.
Genome position (GRCh38, 1-based): chr22:40,419,245, G>C on the plus strand (C>G on the coding strand, the complement: MRTFA is on the minus strand). VCF-style: chr22-40419245-G-C. GRCh37 (hg19) VCF-style: chr22-40815249-G-C.
Other names: c.1193C>G, p.Ser398Cys (NM_001282660.2); c.1343C>G, p.Ser448Cys (NM_001282661.3); c.1493C>G, p.Ser498Cys (NM_001282662.3); c.1298C>G, p.Ser433Cys (NM_001318139.2); c.1193C>G (NM_020831.3); short protein forms S398C, S433C, S448C, S498C.
Identifiers: ClinVar variation 1683078 (VCV001683078.10), dbSNP rs372640662, ClinGen allele CA10249659.
Genomic context (GRCh38, chr22:40,419,245, plus strand): 5'-CCCGTGCTCAGCCGGGCCGCTGGGAAGGCTACCACCACCTCGCCAGCCTTGTGCAGGATA[G>C]AGGTGGCGGCAGGGGCCTTGGGGGCTCCTGGCACAGGGCTGATTTGGTCTTGATAGGCTC-3'
Protein context (NP_065882.2, residues 488-508): PGAPKAPAAT[Ser498Cys]ILHKAGEVVV